The following is an entry in ClinVar:

ClinVar aggregate classification (germline): Uncertain significance (1 of 4 stars; one submission).

Conditions:
NEDD4L-related disorder. Also called: NEDD4L-related condition.

Submission:

PreventionGenetics, part of Exact Sciences
Classification: Uncertain significance for NEDD4L-related condition. Last evaluated: 2023-02-24. Review status: criteria provided, single submitter. Criteria: ACMG Guidelines, 2015. Collection method: clinical testing. Allele origin: germline.
Comment: The NEDD4L c.2849G>T variant is predicted to result in the amino acid substitution p.Gly950Val. To our knowledge, this variant has not been reported in the literature or in a large population database, indicating this variant is rare. At this time, the clinical significance of this variant is uncertain due to the absence of conclusive functional and genetic evidence.

NM_001144967.3(NEDD4L):c.2909G>T (p.Gly970Val)

Gene: NEDD4L (NEDD4 like E3 ubiquitin protein ligase; plus strand). Cytogenetic location: 18q21.31.
Variant type: single nucleotide variant.
Coding change: c.2909G>T on transcript NM_001144967.3 (MANE Select); coding-DNA position 2909, G replaced by T.
Protein change: p.Gly970Val; replaces glycine 970 with valine.
Molecular consequence: missense variant.
Genome position (GRCh38, 1-based): chr18:58,396,250, G>T. VCF-style: chr18-58396250-G-T. GRCh37 (hg19) VCF-style: chr18-56063482-G-T.
Other names: c.2546G>T, p.Gly849Val (NM_001144964.1, NM_001144965.2, NM_001144966.3); c.2885G>T, p.Gly962Val (NM_001144968.2); c.2825G>T, p.Gly942Val (NM_001144969.2); c.2486G>T, p.Gly829Val (NM_001144970.3, NM_001144971.2); c.2717G>T, p.Gly906Val (NM_001243960.2); c.2849G>T, p.Gly950Val (NM_015277.6); short protein forms G829V, G849V, G906V, G942V, G950V, G962V, G970V.
Identifiers: ClinVar variation 2630125 (VCV002630125.1), dbSNP rs1188324271, ClinGen allele CA402564418.